The following is an entry in ClinVar:

NM_000443.4(ABCB4):c.1667del (p.Leu556fs)

Gene: ABCB4 (ATP binding cassette subfamily B member 4; minus strand). Cytogenetic location: 7q21.12.
Variant type: Deletion.
Coding change: c.1667del on transcript NM_000443.4 (MANE Select); coding-DNA position 1667, one base deleted (T; older notation c.1667delT).
Protein change: p.Leu556fs; shifts the reading frame from leucine 556.
Molecular consequence: frameshift variant.
Genome position (GRCh38, 1-based): chr7:87,439,731, A deleted on the plus strand (T on the coding strand, the reverse complement: ABCB4 is on the minus strand). VCF-style (leftmost placement, unchanged base first): chr7-87439730-CA-C. GRCh37 (hg19) VCF-style: chr7-87069046-CA-C.
Other names: c.1667del, p.Leu556fs (NM_018849.3, NM_018850.3); short protein forms L556fs.
Identifiers: ClinVar variation 4846538 (VCV004846538.1).

ClinVar aggregate classification (germline): Pathogenic (1 of 4 stars; one submission).

Conditions:
Familial intrahepatic cholestasis. Identifiers: Orphanet 284385, MedGen CN296401, MONDO:0017290.

Submission:

Genomenon, Inc
Classification: Pathogenic for Familial intrahepatic cholestasis. Last evaluated: 2026-04-14. Review status: criteria provided, single submitter. Criteria: Genomenon Sequence Variant Interpretation Standards - Updated. Collection method: curation. Allele origin: germline. Affected: yes.
Comment: ABCB4 p.Leu556ArgfsTer31 (c.1667del) is a frameshift variant that results in the production of a truncated protein which is predicted to undergo nonsense-mediated mRNA decay. This variant has been observed in at least one proband with an ABCB4-related disorder (PMID:34961929). It is absent or not present at a significant frequency in gnomAD. In conclusion, we classify ABCB4 p.Leu556ArgfsTer31 (c.1667del) as a pathogenic variant.

Literature cited by the submitters: PubMed 34961929.